The following is an entry in ClinVar:

ClinVar aggregate classification (germline): Uncertain significance (1 of 4 stars; one submission).

Conditions:
Episodic ataxia type 2 (EA2). Also called: CEREBELLAR ATAXIA, PAROXYSMAL, ACETAZOLAMIDE-RESPONSIVE; CEREBELLOPATHY, HEREDITARY PAROXYSMAL; EPISODIC ATAXIA, NYSTAGMUS-ASSOCIATED; ACETAZOLAMIDE-RESPONSIVE HEREDITARY PAROXYSMAL CEREBELLAR ATAXIA; ATAXIA, EPISODIC, WITH NYSTAGMUS; ATAXIA, FAMILIAL PAROXYSMAL. Identifiers: Orphanet 97, MedGen C1720416, MONDO:0007163, OMIM 108500.
Developmental and epileptic encephalopathy, 42 (DEE42A). Also called: Epileptic encephalopathy, early infantile, 42; DEVELOPMENTAL AND EPILEPTIC ENCEPHALOPATHY 42A; EPILEPTIC ENCEPHALOPATHY, EARLY INFANTILE, 42A. Identifiers: MedGen C4310716, MONDO:0014917, OMIM 617106.

Allele frequency attached by ClinVar (database versions not stated): gnomAD exomes 0.00001.
gnomAD v4.1: 3 of 1,544,888 alleles (0.00019%); highest among the groups gnomAD compares: Non-Finnish European, 0.00026%; no homozygotes.

Submission:

Labcorp Genetics (formerly Invitae), Labcorp
Classification: Uncertain significance for Developmental and epileptic encephalopathy, 42; Episodic ataxia type 2. Last evaluated: 2023-11-18. Review status: criteria provided, single submitter. Criteria: Invitae Variant Classification Sherloc (09022015). Collection method: clinical testing. Allele origin: germline.
Comment: This sequence change replaces alanine, which is neutral and non-polar, with serine, which is neutral and polar, at codon 1161 of the CACNA1A protein (p.Ala1161Ser). This variant is not present in population databases (gnomAD no frequency). This variant has not been reported in the literature in individuals affected with CACNA1A-related conditions. Advanced modeling of protein sequence and biophysical properties (such as structural, functional, and spatial information, amino acid conservation, physicochemical variation, residue mobility, and thermodynamic stability) performed at Invitae indicates that this missense variant is not expected to disrupt CACNA1A protein function with a negative predictive value of 95%. In summary, the available evidence is currently insufficient to determine the role of this variant in disease. Therefore, it has been classified as a Variant of Uncertain Significance.

NM_001127222.2(CACNA1A):c.3478G>T (p.Ala1160Ser)

Gene: CACNA1A (calcium voltage-gated channel subunit alpha1 A; minus strand). Cytogenetic location: 19p13.13.
Variant type: single nucleotide variant.
Coding change: c.3478G>T on transcript NM_001127222.2 (MANE Select); coding-DNA position 3478, G replaced by T.
Protein change: p.Ala1160Ser; replaces alanine 1160 with serine.
Molecular consequence: missense variant.
Genome position (GRCh38, 1-based): chr19:13,286,578, C>A on the plus strand (G>T on the coding strand, the complement: CACNA1A is on the minus strand). VCF-style: chr19-13286578-C-A. GRCh37 (hg19) VCF-style: chr19-13397392-C-A.
Other names: c.3490G>T, p.Ala1164Ser (NM_000068.4, NM_023035.3); c.3481G>T, p.Ala1161Ser (NM_001127221.2, NM_001174080.2); short protein forms A1164S, A1160S, A1161S.
Identifiers: ClinVar variation 2933701 (VCV002933701.3), dbSNP rs1256731049, ClinGen allele CA404341288.